The following is an entry in ClinVar:

ClinVar aggregate classification (germline): Uncertain significance. Review status: criteria provided, multiple submitters, no conflicts (2 of 4 stars). 3 submissions from 3 submitters: Uncertain significance (3). Last evaluated 2025-11-05.

Conditions:
CPE-related disorder. Also called: CPE-related condition.
Inborn genetic diseases. Identifiers: MedGen C0950123, MeSH D030342.

Allele frequency attached by ClinVar (database versions not stated): ExAC 0.00002; TOPMed 0.00004; gnomAD 0.00005; ESP Exome Variant Server 0.00008; gnomAD exomes 0.00014.
gnomAD v4.1: 204 of 1,614,034 alleles (0.013%); highest among the groups gnomAD compares: Non-Finnish European, 0.017%; no homozygotes.

Submissions (3):

Ambry Genetics
Classification: Uncertain significance for Inborn genetic diseases. Last evaluated: 2025-11-05. Review status: criteria provided, single submitter. Criteria: Ambry Variant Classification Scheme 2023. Collection method: clinical testing. Allele origin: germline.

PreventionGenetics, part of Exact Sciences
Classification: Uncertain significance for CPE-related condition. Last evaluated: 2024-10-23. Review status: criteria provided, single submitter. Criteria: ACMG Guidelines, 2015. Collection method: clinical testing. Allele origin: germline.
Comment: The CPE c.911A>C variant is predicted to result in the amino acid substitution p.Asp304Ala. To our knowledge, this variant has not been reported in the literature. This variant is reported in 0.0054% of alleles in individuals of European (Non-Finnish) descent in gnomAD. At this time, the clinical significance of this variant is uncertain due to the absence of conclusive functional and genetic evidence.

Blueprint Genetics
Classification: Uncertain significance. Last evaluated: 2024-09-20. Review status: criteria provided, single submitter. Criteria: ACMG Guidelines, 2015. Collection method: clinical testing. Allele origin: germline.

NM_001873.4(CPE):c.911A>C (p.Asp304Ala)

Gene: CPE (carboxypeptidase E; plus strand). Cytogenetic location: 4q32.3.
Variant type: single nucleotide variant.
Coding change: c.911A>C on transcript NM_001873.4 (MANE Select); coding-DNA position 911, A replaced by C.
Protein change: p.Asp304Ala; replaces aspartic acid 304 with alanine.
Molecular consequence: missense variant.
Genome position (GRCh38, 1-based): chr4:165,484,542, A>C. VCF-style: chr4-165484542-A-C. GRCh37 (hg19) VCF-style: chr4-166405694-A-C.
Other names: c.911A>C (NM_001873.2); short protein forms D304A.
Identifiers: ClinVar variation 2633526 (VCV002633526.5), dbSNP rs372078133, ClinGen allele CA3130319.